The following is an entry in ClinVar:

ClinVar aggregate classification (germline): Uncertain significance (1 of 4 stars; one submission).

gnomAD v4.1: 6 of 1,612,720 alleles (0.00037%); highest among the groups gnomAD compares: Admixed American, 0.005%; no homozygotes.

Submission:

Labcorp Genetics (formerly Invitae), Labcorp
Classification: Uncertain significance. Last evaluated: 2022-06-17. Review status: criteria provided, single submitter. Criteria: Invitae Variant Classification Sherloc (09022015). Collection method: clinical testing. Allele origin: germline.
Comment: This sequence change replaces serine, which is neutral and polar, with phenylalanine, which is neutral and non-polar, at codon 2 of the TTC37 protein (p.Ser2Phe). This variant is present in population databases (no rsID available, gnomAD 0.009%). This variant has not been reported in the literature in individuals affected with TTC37-related conditions. Algorithms developed to predict the effect of missense changes on protein structure and function are either unavailable or do not agree on the potential impact of this missense change (SIFT: "Deleterious"; PolyPhen-2: "Probably Damaging"; Align-GVGD: "Class C0"). In summary, the available evidence is currently insufficient to determine the role of this variant in disease. Therefore, it has been classified as a Variant of Uncertain Significance.

NM_014639.4(SKIC3):c.5C>T (p.Ser2Phe)

Gene: SKIC3 (SKI3 subunit of superkiller complex; minus strand). Cytogenetic location: 5q15.
Variant type: single nucleotide variant.
Coding change: c.5C>T on transcript NM_014639.4 (MANE Select); coding-DNA position 5, C replaced by T.
Protein change: p.Ser2Phe; replaces serine 2 with phenylalanine.
Molecular consequence: missense variant.
Genome position (GRCh38, 1-based): chr5:95,547,146, G>A on the plus strand (C>T on the coding strand, the complement: SKIC3 is on the minus strand). VCF-style: chr5-95547146-G-A. GRCh37 (hg19) VCF-style: chr5-94882850-G-A.
Other names: short protein forms S2F.
Identifiers: ClinVar variation 2414677 (VCV002414677.2), dbSNP rs142156640, ClinGen allele CA122837417.
Genomic context (GRCh38, chr5:95,547,146, plus strand): 5'-TATTCTTTGTTTCTGATTGCATCTCTAGCACTTTTTAGAGCAGTCTTCACTTCCTTGCTG[G>A]ACATTCTGTCAAGGCAGAAAGCCTGAGTAAATCTACAGTAATACCTACCCAATCGTAAAT-3'
Protein context (NP_055454.1, residues 1-12): M[Ser2Phe]SKEVKTALKS